The following is an entry in ClinVar:

ClinVar aggregate classification (germline): Uncertain significance. Review status: criteria provided, multiple submitters, no conflicts (2 of 4 stars). 2 submissions from 2 submitters: Uncertain significance (2). Last evaluated 2025-11-24.

Submissions (2):

Labcorp Genetics (formerly Invitae), Labcorp
Classification: Uncertain significance. Last evaluated: 2025-11-24. Review status: criteria provided, single submitter. Criteria: Invitae Variant Classification Sherloc (09022015). Collection method: clinical testing. Allele origin: germline.
Comment: This sequence change replaces phenylalanine, which is neutral and non-polar, with alanine, which is neutral and non-polar, at codon 880 of the PRPF6 protein (p.Phe880Ala). This variant is present in population databases (no rsID available, gnomAD 0.01%). This variant has not been reported in the literature in individuals affected with PRPF6-related conditions. ClinVar contains an entry for this variant (Variation ID: 955791). An algorithm developed to predict the effect of missense changes on protein structure and function (PolyPhen-2) suggests that this variant is likely to be tolerated. In summary, the available evidence is currently insufficient to determine the role of this variant in disease. Therefore, it has been classified as a Variant of Uncertain Significance.

Blueprint Genetics
Classification: Uncertain significance. Last evaluated: 2020-03-13. Review status: criteria provided, single submitter. Criteria: ACMG Guidelines, 2015. Collection method: clinical testing. Allele origin: germline.

NM_012469.4(PRPF6):c.2638_2639delinsGC (p.Phe880Ala)

Gene: PRPF6 (pre-mRNA processing factor 6; plus strand). Cytogenetic location: 20q13.33.
Variant type: Indel.
Coding change: c.2638_2639delinsGC on transcript NM_012469.4 (MANE Select); coding-DNA positions 2638 to 2639, TT replaced by GC.
Protein change: p.Phe880Ala; replaces phenylalanine 880 with alanine.
Molecular consequence: missense variant.
Genome position (GRCh38, 1-based): chr20:64,032,009-64,032,010, TT replaced by GC. VCF-style: chr20-64032009-TT-GC. GRCh37 (hg19) VCF-style: chr20-62663362-TT-GC.
Other names: short protein forms F880A.
Identifiers: ClinVar variation 955791 (VCV000955791.8), dbSNP rs2059316835, ClinGen allele CA1139666811.